The following is an entry in ClinVar:

NM_005902.4(SMAD3):c.3G>A (p.Met1Ile)

Genes: SMAD3 (SMAD family member 3; plus strand), LOC130057352 (ATAC-STARR-seq lymphoblastoid silent region 6574; plus strand). Cytogenetic location: 15q22.33.
Variant type: single nucleotide variant.
Coding change: c.3G>A on transcript NM_005902.4 (MANE Select); coding-DNA position 3, G replaced by A.
Protein change: p.Met1Ile; changes the start codon (methionine 1).
Molecular consequence: missense variant, initiator codon variant.
Genome position (GRCh38, 1-based): chr15:67,066,157, G>A. VCF-style: chr15-67066157-G-A. GRCh37 (hg19) VCF-style: chr15-67358495-G-A.
Other names: c.3G>A (NM_005902.3); short protein forms M1I.
Identifiers: ClinVar variation 1174530 (VCV001174530.6), dbSNP rs2140188685, ClinGen allele CA393202671.

ClinVar aggregate classification (germline): Pathogenic/Likely pathogenic. Review status: criteria provided, multiple submitters, no conflicts (2 of 4 stars). 3 submissions from 3 submitters: Pathogenic (2); Likely pathogenic (1). Last evaluated 2024-02-05.

Conditions:
Familial thoracic aortic aneurysm and aortic dissection (TAAD). Also called: Thoracic aortic aneurysms and dissections. Identifiers: Orphanet 91387, MedGen C4707243, MONDO:0019625.
Aneurysm-osteoarthritis syndrome. Also called: ANEURYSMS-OSTEOARTHRITIS SYNDROME; Loeys-Dietz syndrome, type 1C; SMAD3-Related Loeys-Dietz Syndrome; LOEYS-DIETZ SYNDROME WITH OSTEOARTHRITIS. Identifiers: Orphanet 284984, MedGen C3151087, MONDO:0013426, OMIM 613795.

Submissions (3):

All of Us Research Program, National Institutes of Health
Classification: Pathogenic for Aneurysm-osteoarthritis syndrome. Last evaluated: 2024-02-05. Review status: criteria provided, single submitter. Criteria: ACMG Guidelines, 2015. Collection method: clinical testing. Allele origin: germline. Inheritance: Autosomal dominant inheritance. Observed: 1 variant allele, 1 heterozygote.
Comment: This variant alters the translation initiation codon of the SMAD3 mRNA. An alternate in-frame methionine downstream of the initiator methionine occurs at codon 106 in MH1 domain, which is required for DNA binding. Pathogenic missense variants located before codon 106 have been reported (Clinvar), indicating the functional importance of the region that may be affected by this variant. Although functional studies have not been reported, this variant is expected to result in a disrupted protein product and impair SMAD3 protein function. This variant has been reported in two probands affected with aneurysms-osteoarthritis syndrome or hypoplastic left heart syndrome with significant aortic aneurysm and in two affected first-degree family members (PMID: 24711937, 26221609). Different variants that disrupt the initiator codon (c.1A>T, c.1A>C, and c.2T>C) have been observed in individuals affected with thoracic aortic aneurysm and/or dissection, adolescent idiopathic scoliosis or related conditions (PMID: 20851114, 29907982, 33125268, ClinVar SCV001403942.4). This variant has not been identified in the general population by the Genome Aggregation Database (gnomAD). Loss of SMAD3 function is a known mechanism of disease. Based on the available evidence, this variant is classified as Pathogenic.

This study involves interpretation of variants in research participants for the purpose of population health screening. Participant phenotype was not available at the time of variant classification. Additional details can be found in publication PMID: 35346344, PMCID: PMC8962531

Ambry Genetics
Classification: Pathogenic for Familial thoracic aortic aneurysm and aortic dissection. Last evaluated: 2023-10-11. Review status: criteria provided, single submitter. Criteria: Ambry Variant Classification Scheme 2023. Collection method: clinical testing. Allele origin: germline.
Comment: The p.M1? pathogenic mutation (also known as c.3G>A) is located in coding exon 1 of the SMAD3 gene and results from a G to A substitution at nucleotide position 3. This alters the methionine residue at the initiation codon. This mutation was reported in an individual with thoracic aortic aneurysm and dissection (TAAD) and hypoplastic left heart syndrome; This variant is considered to be rare based on population cohorts in the Genome Aggregation Database (gnomAD). In addition to the clinical data presented in the literature, sequence variations that modify the initiation codon are expected to result in either loss of translation initiation, N-terminal truncation, or cause a shift in the mRNA reading frame. Based on the supporting evidence, this alteration is interpreted as a disease-causing mutation.

Center of Genomic medicine, Geneva, University Hospital of Geneva
Classification: Likely pathogenic for Aneurysm-osteoarthritis syndrome. Last evaluated: 2020-09-11. Review status: criteria provided, single submitter. Criteria: ACMG Guidelines, 2015. Collection method: clinical testing. Allele origin: maternal. Affected: yes. Observed: 2 variant alleles.

Literature cited by the submitters: PubMed 20851114 (cited by All of Us Research Program, National Institutes of Health); PubMed 24711937 (cited by All of Us Research Program, National Institutes of Health and Ambry Genetics); PubMed 26221609 (cited by All of Us Research Program, National Institutes of Health); PubMed 29907982 (cited by All of Us Research Program, National Institutes of Health); PubMed 33125268 (cited by All of Us Research Program, National Institutes of Health).